The following is an entry in ClinVar:

NM_005032.7(PLS3):c.1290dup (p.Gln431fs)

Gene: PLS3 (plastin 3; plus strand). Cytogenetic location: Xq23.
Variant type: Duplication.
Coding change: c.1290dup on transcript NM_005032.7 (MANE Select); coding-DNA position 1290, one base duplicated (A; older notation c.1290dupA).
Protein change: p.Gln431fs; shifts the reading frame from glutamine 431.
Molecular consequence: frameshift variant.
Genome position (GRCh38, 1-based): chrX:115,646,099, A duplicated. VCF-style (leftmost placement, unchanged base first): chrX-115646098-T-TA. GRCh37 (hg19) VCF-style: chrX-114880418-T-TA.
Other names: c.1290dup, p.Gln431fs (NM_001136025.5); c.1209dup, p.Gln404fs (NM_001172335.3); c.1251dup, p.Gln418fs (NM_001282337.2); c.1155dup, p.Gln386fs (NM_001282338.2); short protein forms Q404fs, Q418fs, Q431fs, Q386fs.
Identifiers: ClinVar variation 1354958 (VCV001354958.8), dbSNP rs2147585558, ClinGen allele CA2573159153.

ClinVar aggregate classification (germline): Pathogenic/Likely pathogenic. Review status: criteria provided, multiple submitters, no conflicts (2 of 4 stars). 2 submissions from 2 submitters: Pathogenic (1); Likely pathogenic (1). Last evaluated 2022-01-24.

Submissions (2):

Revvity Omics, Revvity
Classification: Likely pathogenic. Last evaluated: 2022-01-24. Review status: criteria provided, single submitter. Criteria: ACMG Guidelines, 2015. Collection method: clinical testing. Allele origin: germline.

Labcorp Genetics (formerly Invitae), Labcorp
Classification: Pathogenic. Last evaluated: 2022-01-16. Review status: criteria provided, single submitter. Criteria: Invitae Variant Classification Sherloc (09022015). Collection method: clinical testing. Allele origin: germline.
Comment: This variant is not present in population databases (gnomAD no frequency). This sequence change creates a premature translational stop signal (p.Gln431Thrfs*4) in the PLS3 gene. It is expected to result in an absent or disrupted protein product. Loss-of-function variants in PLS3 are known to be pathogenic (PMID: 24088043, 30405713, 33166085). This variant has not been reported in the literature in individuals affected with PLS3-related conditions. For these reasons, this variant has been classified as Pathogenic.

Literature cited by the submitters: PubMed 24088043 (cited by Labcorp Genetics (formerly Invitae), Labcorp); PubMed 30405713 (cited by Labcorp Genetics (formerly Invitae), Labcorp); PubMed 33166085 (cited by Labcorp Genetics (formerly Invitae), Labcorp).